The following is an entry in ClinVar:

NM_001482.3(GATM):c.322C>G (p.Gln108Glu)

Gene: GATM (glycine amidinotransferase; minus strand). Cytogenetic location: 15q21.1.
Variant type: single nucleotide variant.
Coding change: c.322C>G on transcript NM_001482.3 (MANE Select); coding-DNA position 322, C replaced by G.
Protein change: p.Gln108Glu; replaces glutamine 108 with glutamic acid.
Molecular consequence: missense variant. On other transcripts: 5 prime UTR variant (1).
Genome position (GRCh38, 1-based): chr15:45,369,488, G>C on the plus strand (C>G on the coding strand, the complement: GATM is on the minus strand). VCF-style: chr15-45369488-G-C. GRCh37 (hg19) VCF-style: chr15-45661686-G-C.
Other names: c.-66C>G (NM_001321015.2); c.322C>G (NM_001482.2); short protein forms Q108E.
Identifiers: ClinVar variation 2741859 (VCV002741859.4), dbSNP rs1889504721, ClinGen allele CA392262161.

ClinVar aggregate classification (germline): Uncertain significance. Review status: criteria provided, multiple submitters, no conflicts (2 of 4 stars). 2 submissions from 2 submitters: Uncertain significance (2). Last evaluated 2025-06-12.

Conditions:
Arginine:glycine amidinotransferase deficiency (CCDS3). Also called: L-Arginine:Glycine Amidinotransferase (AGAT) Deficiency; AGAT deficiency; L-Arginine:Glycine Amidinotransferase Deficiency; Creatine deficiency syndrome due to AGAT deficiency; GATM deficiency; Cerebral creatine deficiency syndrome 3. Identifiers: Orphanet 35704, MedGen C2675179, MONDO:0012996, OMIM 612718.

Allele frequency attached by ClinVar (database versions not stated): gnomAD exomes 0.00001.
gnomAD v4.1: 8 of 1,614,044 alleles (0.0005%); highest among the groups gnomAD compares: South Asian, 0.0044%; no homozygotes.

Submissions (2):

GeneDx
Classification: Uncertain significance. Last evaluated: 2025-06-12. Review status: criteria provided, single submitter. Criteria: GeneDx Variant Classification Process June 2021. Collection method: clinical testing. Allele origin: germline. Affected: yes.
Comment: Not observed at significant frequency in large population cohorts (gnomAD); In silico analysis suggests that this missense variant does not alter protein structure/function; Has not been previously published as pathogenic or benign to our knowledge

Labcorp Genetics (formerly Invitae), Labcorp
Classification: Uncertain significance for Arginine:glycine amidinotransferase deficiency. Last evaluated: 2022-11-06. Review status: criteria provided, single submitter. Criteria: Invitae Variant Classification Sherloc (09022015). Collection method: clinical testing. Allele origin: germline.
Comment: This sequence change replaces glutamine, which is neutral and polar, with glutamic acid, which is acidic and polar, at codon 108 of the GATM protein (p.Gln108Glu). This variant is not present in population databases (gnomAD no frequency). In summary, the available evidence is currently insufficient to determine the role of this variant in disease. Therefore, it has been classified as a Variant of Uncertain Significance. Advanced modeling of protein sequence and biophysical properties (such as structural, functional, and spatial information, amino acid conservation, physicochemical variation, residue mobility, and thermodynamic stability) performed at Invitae indicates that this missense variant is not expected to disrupt GATM protein function. This variant has not been reported in the literature in individuals affected with GATM-related conditions.